The following is an entry in ClinVar:

NM_000133.4(F9):c.391+7A>G

Gene: F9 (coagulation factor IX; plus strand). Cytogenetic location: Xq27.1.
Variant type: single nucleotide variant.
Coding change: c.391+7A>G on transcript NM_000133.4 (MANE Select); 7 bases into the intron after coding-DNA position 391, A replaced by G.
Molecular consequence: intron variant.
Genome position (GRCh38, 1-based): chrX:139,541,196, A>G. VCF-style: chrX-139541196-A-G. GRCh37 (hg19) VCF-style: chrX-138623355-A-G.
Other names: NM_000133.3(F9):c.391+7A>G; p.?; c.277+3810A>G (NM_001313913.2).
Identifiers: ClinVar variation 367999 (VCV000367999.28), dbSNP rs6049, ClinGen allele CA10529780.

ClinVar aggregate classification (germline): Benign. Review status: reviewed by expert panel (3 of 4 stars). 7 submissions from 7 submitters: Benign (1). 6 of the submissions do not count toward it. Last evaluated 2024-02-09.

Conditions:
Hereditary factor IX deficiency disease (HEMB). Also called: Christmas Disease; F9 DEFICIENCY; FACTOR IX DEFICIENCY; PLASMA THROMBOPLASTIN COMPONENT DEFICIENCY; Hemophilia B. Identifiers: Orphanet 98879, MedGen C0008533, MeSH D002836, MONDO:0010604, OMIM 306900.
Thrombophilia, X-linked, due to factor 9 defect. Identifiers: MedGen C2749016, MONDO:0010432, OMIM 300807.

Allele frequency attached by ClinVar (database versions not stated): gnomAD exomes 0.01094 and 0.00432; ExAC 0.01394; gnomAD 0.03649 and 0.03872; TOPMed 0.04201; 1000 Genomes Project 30x 0.04225; 1000 Genomes Project 0.04238; ESP Exome Variant Server 0.04904.
gnomAD v4.1: 8,717 of 1,127,094 alleles (0.77%); highest among the groups gnomAD compares: African/African-American, 13%; 412 homozygotes.

Submissions (7):

ClinGen Coagulation Factor Deficiency Variant Curation Expert Panel, Clingen
Classification: Benign for Hereditary factor IX deficiency disease. Last evaluated: 2024-02-09. Review status: reviewed by expert panel. Criteria: ClinGen CoagFactor ACMG Specifications F9 V1.0.0. Collection method: curation. Allele origin: germline. Inheritance: X-linked inheritance.
Comment: The c.391+7A>G variant is reported at an MAF of 0.1296 (2458/18960 alleles) in the African/African-American population in gnomAD v2.1.1 with 620 hemizygotes and 123 homozygotes, meeting BA1 criteria of MAF > 0.0000556. SpliceAI predicts WT canonical donor loss at -7bp with a delta score of 0.05; however, does not meet criteria for PP3 or BP4. In summary, this variant meets criteria to be classified as benign. ACMG/AMP criteria applied, as specified by the Coagulation Factor Deficiency Variant Curation Expert Panel for F9: BA1.

Labcorp Genetics (formerly Invitae), Labcorp
Classification: Benign for Thrombophilia, X-linked, due to factor 9 defect; Hereditary factor IX deficiency disease. Last evaluated: 2026-02-04. Review status: criteria provided, single submitter. Criteria: Invitae Variant Classification Sherloc (09022015). Collection method: clinical testing. Allele origin: germline. Not counted in ClinVar's aggregate classification.

Mayo Clinic Laboratories, Mayo Clinic
Classification: Likely benign. Last evaluated: 2025-09-25. Review status: criteria provided, single submitter. Criteria: ACMG Guidelines, 2015. Collection method: clinical testing. Allele origin: germline. Observed: 4 variant alleles. Not counted in ClinVar's aggregate classification.

ARUP Laboratories, Molecular Genetics and Genomics, ARUP Laboratories
Classification: Benign. Last evaluated: 2020-01-21. Review status: criteria provided, single submitter. Criteria: ARUP Molecular Germline Variant Investigation Process. Collection method: clinical testing. Allele origin: germline. Not counted in ClinVar's aggregate classification.

Illumina Laboratory Services, Illumina
Classification: Benign for Hereditary factor IX deficiency disease. Last evaluated: 2017-04-27. Review status: criteria provided, single submitter. Criteria: ICSL Variant Classification Criteria 13 December 2019. Collection method: clinical testing. Allele origin: germline. Not counted in ClinVar's aggregate classification.
Comment: This variant was observed as part of a predisposition screen in an ostensibly healthy population. A literature search was performed for the gene, cDNA change, and amino acid change (where applicable). Publications were found based on this search. The evidence from the literature, in combination with allele frequency data from public databases where available, was sufficient to rule this variant out of causing disease. Therefore, this variant is classified as benign.

Breakthrough Genomics
Classification: Benign. Review status: criteria provided, single submitter. Criteria: ACMG Guidelines, 2015. Collection method: not provided. Allele origin: germline. Inheritance: X-linked inheritance. Affected: yes. Not counted in ClinVar's aggregate classification.

Natera, Inc.
Classification: Benign for Hemophilia B. Last evaluated: 2020-09-16. Review status: no assertion criteria provided. Collection method: clinical testing. Allele origin: germline. Not counted in ClinVar's aggregate classification.

Literature cited by the submitters: PubMed 22707612 (cited by Illumina Laboratory Services, Illumina).